The following is an entry in ClinVar:

ClinVar aggregate classification (germline): Likely benign (0 of 4 stars; one submission).

Conditions:
PLXNA1-related disorder. Also called: PLXNA1-related condition.

gnomAD v4.1: 84 of 1,613,720 alleles (0.0052%); highest among the groups gnomAD compares: South Asian, 0.088%; no homozygotes.

Submission:

PreventionGenetics, part of Exact Sciences
Classification: Likely benign for PLXNA1-related condition. Last evaluated: 2024-08-29. Review status: no assertion criteria provided. Collection method: clinical testing. Allele origin: germline.
Comment: This variant is classified as likely benign based on ACMG/AMP sequence variant interpretation guidelines (Richards et al. 2015 PMID: 25741868, with internal and published modifications).

NM_032242.4(PLXNA1):c.3450C>G (p.Pro1150=)

Gene: PLXNA1 (plexin A1; plus strand). Cytogenetic location: 3q21.3.
Variant type: single nucleotide variant.
Coding change: c.3450C>G on transcript NM_032242.4 (MANE Select); coding-DNA position 3450, C replaced by G.
Protein change: p.Pro1150=; no amino-acid change (proline 1150 retained).
Molecular consequence: synonymous variant.
Genome position (GRCh38, 1-based): chr3:127,017,598, C>G. VCF-style: chr3-127017598-C-G. GRCh37 (hg19) VCF-style: chr3-126736441-C-G.
Identifiers: ClinVar variation 3354041 (VCV003354041.1).